The following is an entry in ClinVar:

NM_001370259.2(MEN1):c.840A>T (p.Leu280Phe)

Gene: MEN1 (menin 1; minus strand). Cytogenetic location: 11q13.1.
Variant type: single nucleotide variant.
Coding change: c.840A>T on transcript NM_001370259.2 (MANE Select); coding-DNA position 840, A replaced by T.
Protein change: p.Leu280Phe; replaces leucine 280 with phenylalanine.
Molecular consequence: missense variant. On other transcripts: non-coding transcript variant (4).
Genome position (GRCh38, 1-based): chr11:64,807,083, T>A on the plus strand (A>T on the coding strand, the complement: MEN1 is on the minus strand). VCF-style: chr11-64807083-T-A. GRCh37 (hg19) VCF-style: chr11-64574555-T-A.
Other names: c.855A>T, p.Leu285Phe (NM_000244.4, NM_001407145.1, NM_001407150.1 and 5 more transcripts); c.840A>T, p.Leu280Phe (NM_001370251.2, NM_001370260.2, NM_001370261.2 and 7 more transcripts); c.735A>T, p.Leu245Phe (NM_001370262.2, NM_001370263.2, NM_001407148.1 and 2 more transcripts); short protein forms L245F, L280F, L285F.
Identifiers: ClinVar variation 2693975 (VCV002693975.3), dbSNP rs2497188588, ClinGen allele CA381183710.
Genomic context (GRCh38, chr11:64,807,083, plus strand): 5'-GGTGAGTGGGTCTGGCCGGCCAGGGGTGGGCTCCAGCTCCTCTAGATCTGCCAGGTTCCC[T>A]AAGGCCATGGGGTACCTAGGAAAGGATCATAATTCAGGCTGCCACCCAGCCCCCCGGCCT-3'
Protein context (NP_001357188.2, residues 270-290): LGHLERYPMA[Leu280Phe]GNLADLEELE

ClinVar aggregate classification (germline): Uncertain significance (1 of 4 stars; one submission).

Conditions:
Multiple endocrine neoplasia, type 1 (MEN1). Also called: MEN I; WERMER SYNDROME; Endocrine adenomatosis multiple; MEN 1; MEA I. Identifiers: Orphanet 652, MedGen C0025267, MeSH D018761, MONDO:0007540, OMIM 131100.

Submission:

Labcorp Genetics (formerly Invitae), Labcorp
Classification: Uncertain significance for Multiple endocrine neoplasia, type 1. Last evaluated: 2023-11-07. Review status: criteria provided, single submitter. Criteria: Invitae Variant Classification Sherloc (09022015). Collection method: clinical testing. Allele origin: germline.
Comment: This sequence change replaces leucine, which is neutral and non-polar, with phenylalanine, which is neutral and non-polar, at codon 280 of the MEN1 protein (p.Leu280Phe). This variant is not present in population databases (gnomAD no frequency). This variant has not been reported in the literature in individuals affected with MEN1-related conditions. Advanced modeling of protein sequence and biophysical properties (such as structural, functional, and spatial information, amino acid conservation, physicochemical variation, residue mobility, and thermodynamic stability) performed at Invitae indicates that this missense variant is expected to disrupt MEN1 protein function with a positive predictive value of 95%. In summary, the available evidence is currently insufficient to determine the role of this variant in disease. Therefore, it has been classified as a Variant of Uncertain Significance.